The following is an entry in ClinVar:

NM_004807.3(HS6ST1):c.1012G>A (p.Glu338Lys)

Gene: HS6ST1 (heparan sulfate 6-O-sulfotransferase 1; minus strand). Cytogenetic location: 2q14.3.
Variant type: single nucleotide variant.
Coding change: c.1012G>A on transcript NM_004807.3 (MANE Select); coding-DNA position 1012, G replaced by A.
Protein change: p.Glu338Lys; replaces glutamic acid 338 with lysine.
Molecular consequence: missense variant.
Genome position (GRCh38, 1-based): chr2:128,268,386, C>T on the plus strand (G>A on the coding strand, the complement: HS6ST1 is on the minus strand). VCF-style: chr2-128268386-C-T. GRCh37 (hg19) VCF-style: chr2-129025960-C-T.
Other names: short protein forms E338K.
Identifiers: ClinVar variation 1368226 (VCV001368226.6), dbSNP rs533693492, ClinGen allele CA1867493.

ClinVar aggregate classification (germline): Uncertain significance (1 of 4 stars; one submission).

Allele frequency attached by ClinVar (database versions not stated): gnomAD exomes 0.00007; TOPMed 0.00007; gnomAD 0.00009.
gnomAD v4.1: 113 of 1,613,568 alleles (0.007%); highest among the groups gnomAD compares: Middle Eastern, 0.016%; no homozygotes.

Submission:

Labcorp Genetics (formerly Invitae), Labcorp
Classification: Uncertain significance. Last evaluated: 2024-12-02. Review status: criteria provided, single submitter. Criteria: Invitae Variant Classification Sherloc (09022015). Collection method: clinical testing. Allele origin: germline.
Comment: This sequence change replaces glutamic acid, which is acidic and polar, with lysine, which is basic and polar, at codon 338 of the HS6ST1 protein (p.Glu338Lys). This variant is present in population databases (rs533693492, gnomAD 0.02%). This variant has not been reported in the literature in individuals affected with HS6ST1-related conditions. ClinVar contains an entry for this variant (Variation ID: 1368226). Invitae Evidence Modeling of protein sequence and biophysical properties (such as structural, functional, and spatial information, amino acid conservation, physicochemical variation, residue mobility, and thermodynamic stability) indicates that this missense variant is not expected to disrupt HS6ST1 protein function with a negative predictive value of 80%. In summary, the available evidence is currently insufficient to determine the role of this variant in disease. Therefore, it has been classified as a Variant of Uncertain Significance.